The following is an entry in ClinVar:

ClinVar aggregate classification (germline): Pathogenic (1 of 4 stars; one submission).

Conditions:
Duchenne muscular dystrophy (DMD). Also called: MUSCULAR DYSTROPHY, PSEUDOHYPERTROPHIC PROGRESSIVE, DUCHENNE TYPE; Duchenne Muscular Dystrophy (DMD). Identifiers: Orphanet 98896, MedGen C0013264, MONDO:0010679, OMIM 310200.

Submission:

Labcorp Genetics (formerly Invitae), Labcorp
Classification: Pathogenic for Duchenne muscular dystrophy. Last evaluated: 2018-12-13. Review status: criteria provided, single submitter. Criteria: Invitae Variant Classification Sherloc (09022015). Collection method: clinical testing. Allele origin: germline.
Comment: This variant is an in-frame deletion of the genomic region encompassing exons 10-29 of the DMD gene. It preserves the integrity of the reading frame. A similar deletion of exons 10-29¬†has been observed in individuals affected with dystrophinopathy¬†(PMID: 20036901, 22776072, Invitae). Sub-genic deletions of exon 13 have been determined to be pathogenic (PMID: 18353051, 22379338, 28116794, 28610567). Therefore, deletions that fully encompass that region are also expected to be pathogenic. For these reasons, this variant has been classified as Pathogenic.

Literature cited by the submitters: PubMed 20036901; PubMed 22776072; PubMed 18353051; PubMed 22379338; PubMed 28116794; PubMed 28610567.

NC_000023.11:g.(?_32438231)_(32651077_?)del

Genes: DMD (dystrophin; minus strand), MIR3915 (microRNA 3915; minus strand), MIR548F5 (microRNA 548f-5; minus strand). Cytogenetic location: Xp21.1.
Variant type: Deletion.
Identifiers: ClinVar variation 643154 (VCV000643154.2).